The following is an entry in ClinVar:

NM_005428.4(VAV1):c.2023C>T (p.Pro675Ser)

Gene: VAV1 (vav guanine nucleotide exchange factor 1; plus strand). Cytogenetic location: 19p13.3.
Variant type: single nucleotide variant.
Coding change: c.2023C>T on transcript NM_005428.4 (MANE Select); coding-DNA position 2023, C replaced by T.
Protein change: p.Pro675Ser; replaces proline 675 with serine.
Molecular consequence: missense variant.
Genome position (GRCh38, 1-based): chr19:6,848,008, C>T. VCF-style: chr19-6848008-C-T. GRCh37 (hg19) VCF-style: chr19-6848019-C-T.
Other names: c.2023C>T (NM_005428.2, NM_005428.3); c.1957C>T, p.Pro653Ser (NM_001258206.2); c.1927C>T, p.Pro643Ser (NM_001258207.2); short protein forms P643S, P653S, P675S.
Identifiers: ClinVar variation 1017032 (VCV001017032.12), dbSNP rs370586875, ClinGen allele CA9132833.
Genomic context (GRCh38, chr19:6,848,008, plus strand): 5'-GACCCAGGCACGGGGACCGTGCCACCTCTGTCCTTGGTGTCTCTTTGCAGGTACGCAGGC[C>T]CCATGGAGCGGGCAGGGGCAGAGAGCATCCTGGCCAACCGCTCGGACGGGACTTTCTTGG-3'
Protein context (NP_005419.2, residues 665-685): DLSVHLWYAG[Pro675Ser]MERAGAESIL

ClinVar aggregate classification (germline): Uncertain significance. Review status: criteria provided, multiple submitters, no conflicts (2 of 4 stars). 3 submissions from 3 submitters: Uncertain significance (3). Last evaluated 2025-09-30.

Conditions:
VAV1-related disorder. Also called: VAV1-related condition.

Allele frequency attached by ClinVar (database versions not stated): gnomAD 0.00006 and 0.00007; ESP Exome Variant Server 0.00008; gnomAD exomes 0.00008 and 0.00010; TOPMed 0.00008; ExAC 0.00012.
gnomAD v4.1: 123 of 1,518,696 alleles (0.0081%); highest among the groups gnomAD compares: Middle Eastern, 0.036%; no homozygotes.

Submissions (3):

Labcorp Genetics (formerly Invitae), Labcorp
Classification: Uncertain significance. Last evaluated: 2025-09-30. Review status: criteria provided, single submitter. Criteria: Invitae Variant Classification Sherloc (09022015). Collection method: clinical testing. Allele origin: germline.
Comment: This sequence change replaces proline, which is neutral and non-polar, with serine, which is neutral and polar, at codon 675 of the VAV1 protein (p.Pro675Ser). This variant is present in population databases (rs370586875, gnomAD 0.1%), and has an allele count higher than expected for a pathogenic variant. This variant has not been reported in the literature in individuals affected with VAV1-related conditions. ClinVar contains an entry for this variant (Variation ID: 1017032). An algorithm developed to predict the effect of missense changes on protein structure and function (PolyPhen-2) suggests that this variant is likely to be tolerated. In summary, the available evidence is currently insufficient to determine the role of this variant in disease. Therefore, it has been classified as a Variant of Uncertain Significance.

Ambry Genetics
Classification: Uncertain significance. Last evaluated: 2025-05-20. Review status: criteria provided, single submitter. Criteria: Ambry Variant Classification Scheme 2023. Collection method: clinical testing. Allele origin: germline.

PreventionGenetics, part of Exact Sciences
Classification: Uncertain significance for VAV1-related condition. Last evaluated: 2023-06-13. Review status: criteria provided, single submitter. Criteria: ACMG Guidelines, 2015. Collection method: clinical testing. Allele origin: germline.
Comment: The VAV1 c.2023C>T variant is predicted to result in the amino acid substitution p.Pro675Ser. To our knowledge, this variant has not been reported in the literature. This variant is reported in 0.10% of alleles in individuals of Ashkenazi Jewish descent in gnomAD, which may be too common to be causative of disease. Although we suspect that this variant may be benign, at this time, the clinical significance of this variant is uncertain due to the absence of conclusive functional and genetic evidence.